The following is an entry in ClinVar:

NM_000136.3(FANCC):c.1238dup (p.Met413fs)

Genes: AOPEP (aminopeptidase O (putative); plus strand), FANCC (FA complementation group C; minus strand). Cytogenetic location: 9q22.32.
Variant type: Duplication.
Coding change: c.1238dup on transcript NM_000136.3 (MANE Select); coding-DNA position 1238, one base duplicated (T; older notation c.1238dupT).
Protein change: p.Met413fs; shifts the reading frame from methionine 413.
Molecular consequence: frameshift variant.
Genome position (GRCh38, 1-based): chr9:95,111,554, A duplicated on the plus strand (T on the coding strand, the reverse complement: FANCC is on the minus strand). VCF-style (leftmost placement, unchanged base first): chr9-95111553-C-CA. GRCh37 (hg19) VCF-style: chr9-97873835-C-CA.
Other names: c.1238dup, p.Met413fs (NM_001243743.2, NM_001243744.2); short protein forms M413fs.
Identifiers: ClinVar variation 4068038 (VCV004068038.2).

ClinVar aggregate classification (germline): Likely pathogenic (1 of 4 stars; one submission).

Conditions:
Fanconi anemia (FA). Also called: Fanconi's anemia. Identifiers: Orphanet 84, MedGen C0015625, MeSH D005199, MONDO:0019391.

Submission:

Natera, Inc.
Classification: Likely pathogenic for Fanconi anemia. Last evaluated: 2025-02-16. Review status: criteria provided, single submitter. Criteria: Natera Variant Classification Schema (03/2026). Collection method: clinical testing. Allele origin: germline.
Comment: The c.1238dup variant in FANCC is a frameshift variant predicted to shift the reading frame beginning at codon 413 and leads to a stop codon 22 codons downstream. This variant is expected to result in nonsense mediated decay, truncation, or a dysfunctional protein product. This variant is rare in the general population with a frequency below the threshold expected for the associated phenotype(s). Given the available evidence, this variant is classified as Likely Pathogenic.